The following is an entry in ClinVar:

ClinVar aggregate classification (germline): Uncertain significance (1 of 4 stars; one submission).

gnomAD v4.1: 4 of 1,600,600 alleles (0.00025%); highest among the groups gnomAD compares: Non-Finnish European, 0.00034%; no homozygotes.

Submission:

GeneDx
Classification: Uncertain significance. Last evaluated: 2023-05-25. Review status: criteria provided, single submitter. Criteria: GeneDx Variant Classification Process June 2021. Collection method: clinical testing. Allele origin: germline. Affected: yes.
Comment: Not observed at significant frequency in large population cohorts (gnomAD); In silico analysis supports that this missense variant has a deleterious effect on protein structure/function; Has not been previously published as pathogenic or benign to our knowledge

NM_001145809.2(MYH14):c.2636G>A (p.Arg879Gln)

Gene: MYH14 (myosin heavy chain 14; plus strand). Cytogenetic location: 19q13.33.
Variant type: single nucleotide variant.
Coding change: c.2636G>A on transcript NM_001145809.2 (MANE Select); coding-DNA position 2636, G replaced by A.
Protein change: p.Arg879Gln; replaces arginine 879 with glutamine.
Molecular consequence: missense variant.
Genome position (GRCh38, 1-based): chr19:50,263,362, G>A. VCF-style: chr19-50263362-G-A. GRCh37 (hg19) VCF-style: chr19-50766619-G-A.
Other names: c.2537G>A, p.Arg846Gln (NM_001077186.2); c.2513G>A, p.Arg838Gln (NM_024729.4); short protein forms R838Q, R846Q, R879Q.
Identifiers: ClinVar variation 3343509 (VCV003343509.1).